The following is an entry in ClinVar:

NM_005530.3(IDH3A):c.901A>G (p.Met301Val)

Gene: IDH3A (isocitrate dehydrogenase (NAD(+)) 3 catalytic subunit alpha; plus strand). Cytogenetic location: 15q25.1.
Variant type: single nucleotide variant.
Coding change: c.901A>G on transcript NM_005530.3 (MANE Select); coding-DNA position 901, A replaced by G.
Protein change: p.Met301Val; replaces methionine 301 with valine.
Molecular consequence: missense variant.
Genome position (GRCh38, 1-based): chr15:78,166,186, A>G. VCF-style: chr15-78166186-A-G. GRCh37 (hg19) VCF-style: chr15-78458528-A-G.
Other names: short protein forms M301V.
Identifiers: ClinVar variation 1396958 (VCV001396958.6), dbSNP rs2141302921, ClinGen allele CA393546191.
Genomic context (GRCh38, chr15:78,166,186, plus strand): 5'-GATGCTACTTTTCCCGATGTGTAGGTTCATGGGACGGCTCCAGACATTGCAGGCAAGGAC[A>G]TGGCGAATCCCACAGCCCTCCTGCTCAGTGCCGTGATGATGCTGCGCCACATGGGACTTT-3'
Protein context (NP_005521.1, residues 291-311): GTAPDIAGKD[Met301Val]ANPTALLLSA

ClinVar aggregate classification (germline): Uncertain significance (1 of 4 stars; one submission).

Submission:

Labcorp Genetics (formerly Invitae), Labcorp
Classification: Uncertain significance. Last evaluated: 2021-09-19. Review status: criteria provided, single submitter. Criteria: Invitae Variant Classification Sherloc (09022015). Collection method: clinical testing. Allele origin: germline.
Comment: Algorithms developed to predict the effect of missense changes on protein structure and function (SIFT, PolyPhen-2, Align-GVGD) all suggest that this variant is likely to be tolerated. In summary, the available evidence is currently insufficient to determine the role of this variant in disease. Therefore, it has been classified as a Variant of Uncertain Significance. This variant has not been reported in the literature in individuals affected with IDH3A-related conditions. This variant is not present in population databases (ExAC no frequency). This sequence change replaces methionine with valine at codon 301 of the IDH3A protein (p.Met301Val). The methionine residue is weakly conserved and there is a small physicochemical difference between methionine and valine.